The following is an entry in ClinVar:

NM_001042492.3(NF1):c.3897A>T (p.Lys1299Asn)

Gene: NF1 (neurofibromin 1; plus strand). Cytogenetic location: 17q11.2.
Variant type: single nucleotide variant.
Coding change: c.3897A>T on transcript NM_001042492.3 (MANE Select); coding-DNA position 3897, A replaced by T.
Protein change: p.Lys1299Asn; replaces lysine 1299 with asparagine.
Molecular consequence: missense variant.
Genome position (GRCh38, 1-based): chr17:31,235,944, A>T. VCF-style: chr17-31235944-A-T. GRCh37 (hg19) VCF-style: chr17-29562962-A-T.
Other names: c.3897A>T, p.Lys1299Asn (NM_000267.4); short protein forms K1299N.
Identifiers: ClinVar variation 2708104 (VCV002708104.3), dbSNP rs2151438555, ClinGen allele CA398993076.

ClinVar aggregate classification (germline): Uncertain significance (1 of 4 stars; one submission).

Conditions:
Neurofibromatosis, type 1 (NF1). Also called: Peripheral type neurofibromatosis; VON RECKLINGHAUSEN DISEASE; NEUROFIBROMATOSIS, TYPE I, SOMATIC; Neurofibromatosis, type I. Identifiers: Orphanet 636, MedGen C0027831, MONDO:0018975, OMIM 162200. Disease mechanism: loss of function.

Submission:

Labcorp Genetics (formerly Invitae), Labcorp
Classification: Uncertain significance for Neurofibromatosis, type 1. Last evaluated: 2024-04-13. Review status: criteria provided, single submitter. Criteria: Invitae Variant Classification Sherloc (09022015). Collection method: clinical testing. Allele origin: germline.
Comment: This sequence change replaces lysine, which is basic and polar, with asparagine, which is neutral and polar, at codon 1299 of the NF1 protein (p.Lys1299Asn). This variant is not present in population databases (gnomAD no frequency). This variant has not been reported in the literature in individuals affected with NF1-related conditions. Advanced modeling of protein sequence and biophysical properties (such as structural, functional, and spatial information, amino acid conservation, physicochemical variation, residue mobility, and thermodynamic stability) performed at Invitae indicates that this missense variant is not expected to disrupt NF1 protein function with a negative predictive value of 95%. In summary, the available evidence is currently insufficient to determine the role of this variant in disease. Therefore, it has been classified as a Variant of Uncertain Significance.